The following is an entry in ClinVar:

NM_007078.3(LDB3):c.1035C>G (p.Ile345Met)

Gene: LDB3 (LIM domain binding 3; plus strand). Cytogenetic location: 10q23.2.
Variant type: single nucleotide variant.
Coding change: c.1035C>G on transcript NM_007078.3 (MANE Select); coding-DNA position 1035, C replaced by G.
Protein change: p.Ile345Met; replaces isoleucine 345 with methionine.
Molecular consequence: missense variant. On other transcripts: intron variant (4).
Genome position (GRCh38, 1-based): chr10:86,706,669, C>G. VCF-style: chr10-86706669-C-G. GRCh37 (hg19) VCF-style: chr10-88466426-C-G.
Other names: I352M; c.894C>G, p.Ile298Met (NM_001368066.1); c.897-3236C>G (NM_001368064.1, NM_001368065.1); c.1101-3236C>G (NM_001171610.2); c.756-3236C>G (NM_001080114.2); c.1035C>G, p.Ile345Met (LRG_385t1); short protein forms I345M, I298M.
Identifiers: ClinVar variation 4730 (VCV000004730.27), dbSNP rs121908336, ClinGen allele CA253261.

ClinVar aggregate classification (germline): Uncertain significance. Review status: criteria provided, multiple submitters, no conflicts (2 of 4 stars). 3 submissions from 3 submitters: Uncertain significance (2). 1 of the submissions does not count toward it. Last evaluated 2025-09-02.

Conditions:
Dilated cardiomyopathy 1C (CMD1C). Also called: CARDIOMYOPATHY, DILATED, 1C, WITH OR WITHOUT LEFT VENTRICULAR NONCOMPACTION; Cardiomyopathy, dilated, 1C, with or without LVNC. Identifiers: Orphanet 154, Orphanet 54260, MedGen C1832244, MONDO:0011094, OMIM 601493.
Myofibrillar myopathy 4. Also called: Zaspopathy (type). Identifiers: Orphanet 98912, MedGen C4721886, MONDO:0012277, OMIM 609452.

gnomAD v4.1: 1 of 1,612,908 alleles (0.000062%); highest among the groups gnomAD compares: Non-Finnish European, 0.000085%; no homozygotes.

Submissions (3):

Labcorp Genetics (formerly Invitae), Labcorp
Classification: Uncertain significance for Myofibrillar myopathy 4. Last evaluated: 2025-09-02. Review status: criteria provided, single submitter. Criteria: Invitae Variant Classification Sherloc (09022015). Collection method: clinical testing. Allele origin: germline.
Comment: The LDB3 gene has multiple clinically relevant transcripts. This variant occurs in alternate transcript NM_007078.3, and corresponds to NM_001080116.1:c.*7295C>G in the primary transcript. This sequence change replaces isoleucine, which is neutral and non-polar, with methionine, which is neutral and non-polar, at codon 345 of the LDB3 protein (p.Ile345Met). This variant is present in population databases (rs121908336, gnomAD 0.0009%). This missense change has been observed in individual(s) with hypertrophic cardiomyopathy (internal data). Experimental studies and prediction algorithms are not available or were not evaluated, and the functional significance of this variant is currently unknown. In summary, the available evidence is currently insufficient to determine the role of this variant in disease. Therefore, it has been classified as a Variant of Uncertain Significance.

CeGaT Center for Human Genetics Tuebingen
Classification: Uncertain significance. Last evaluated: 2022-12-01. Review status: criteria provided, single submitter. Criteria: CeGaT Center For Human Genetics Tuebingen Variant Classification Criteria Version 2. Collection method: clinical testing. Allele origin: germline. Affected: yes. Observed: 1 variant allele.
Comment: LDB3: PM2, PS4:Supporting, BP4

OMIM
Classification: Pathogenic for CARDIOMYOPATHY, DILATED, 1C. Last evaluated: 2003-12-03. Review status: no assertion criteria provided. Collection method: literature only. Allele origin: germline. Not counted in ClinVar's aggregate classification.

Literature cited by the submitters: PubMed 14662268 (cited by OMIM).